The following is an entry in ClinVar:

ClinVar aggregate classification (germline): Uncertain significance (1 of 4 stars; one submission).

gnomAD v4.1: 1 of 1,612,758 alleles (0.000062%); highest among the groups gnomAD compares: Non-Finnish European, 0.000085%; no homozygotes.

Submission:

Labcorp Genetics (formerly Invitae), Labcorp
Classification: Uncertain significance. Last evaluated: 2024-02-23. Review status: criteria provided, single submitter. Criteria: Invitae Variant Classification Sherloc (09022015). Collection method: clinical testing. Allele origin: germline.
Comment: This sequence change replaces glutamic acid, which is acidic and polar, with aspartic acid, which is acidic and polar, at codon 244 of the CLUAP1 protein (p.Glu244Asp). This variant is not present in population databases (gnomAD no frequency). This variant has not been reported in the literature in individuals affected with CLUAP1-related conditions. ClinVar contains an entry for this variant (Variation ID: 2418117). Advanced modeling of protein sequence and biophysical properties (such as structural, functional, and spatial information, amino acid conservation, physicochemical variation, residue mobility, and thermodynamic stability) performed at Invitae indicates that this missense variant is not expected to disrupt CLUAP1 protein function with a negative predictive value of 80%. In summary, the available evidence is currently insufficient to determine the role of this variant in disease. Therefore, it has been classified as a Variant of Uncertain Significance.

NM_015041.3(CLUAP1):c.732G>C (p.Glu244Asp)

Gene: CLUAP1 (clusterin associated protein 1; plus strand). Cytogenetic location: 16p13.3.
Variant type: single nucleotide variant.
Coding change: c.732G>C on transcript NM_015041.3 (MANE Select); coding-DNA position 732, G replaced by C.
Protein change: p.Glu244Asp; replaces glutamic acid 244 with aspartic acid.
Molecular consequence: missense variant.
Genome position (GRCh38, 1-based): chr16:3,523,176, G>C. VCF-style: chr16-3523176-G-C. GRCh37 (hg19) VCF-style: chr16-3573176-G-C.
Other names: c.732G>C, p.Glu244Asp (NM_001330454.2); c.234G>C, p.Glu78Asp (NM_024793.3); short protein forms E244D, E78D.
Identifiers: ClinVar variation 2418117 (VCV002418117.6), dbSNP rs759823647, ClinGen allele CA394514073.